The following is an entry in ClinVar:

ClinVar aggregate classification (germline): Uncertain significance (1 of 4 stars; one submission).

Submission:

Labcorp Genetics (formerly Invitae), Labcorp
Classification: Uncertain significance. Last evaluated: 2022-01-12. Review status: criteria provided, single submitter. Criteria: Invitae Variant Classification Sherloc (09022015). Collection method: clinical testing. Allele origin: germline.
Comment: This sequence change replaces serine, which is neutral and polar, with phenylalanine, which is neutral and non-polar, at codon 752 of the POLE protein (p.Ser752Phe). This variant is not present in population databases (gnomAD no frequency). This variant has not been reported in the literature in individuals affected with POLE-related conditions. Algorithms developed to predict the effect of missense changes on protein structure and function are either unavailable or do not agree on the potential impact of this missense change (SIFT: "Tolerated"; PolyPhen-2: "Probably Damaging"; Align-GVGD: "Class C0"). In summary, the available evidence is currently insufficient to determine the role of this variant in disease. Therefore, it has been classified as a Variant of Uncertain Significance.

NM_006231.4(POLE):c.2255C>T (p.Ser752Phe)

Gene: POLE (DNA polymerase epsilon, catalytic subunit; minus strand). Cytogenetic location: 12q24.33.
Variant type: single nucleotide variant.
Coding change: c.2255C>T on transcript NM_006231.4 (MANE Select); coding-DNA position 2255, C replaced by T.
Protein change: p.Ser752Phe; replaces serine 752 with phenylalanine.
Molecular consequence: missense variant.
Genome position (GRCh38, 1-based): chr12:132,667,567, G>A on the plus strand (C>T on the coding strand, the complement: POLE is on the minus strand). VCF-style: chr12-132667567-G-A. GRCh37 (hg19) VCF-style: chr12-133244153-G-A.
Other names: short protein forms S752F.
Identifiers: ClinVar variation 1466767 (VCV001466767.6), dbSNP rs2135970095, ClinGen allele CA387352200.
Genomic context (GRCh38, chr12:132,667,567, plus strand): 5'-TGGAGCCCTTTGAACTCGTAACGCCTGTCCCGGAAGGCACGCACGGTGTCCACGTAGAAG[G>A]AGTTTTCCCGCTGGCAGATGGTGGTGAGACGCTCTTCCACCTTGGTGATGTGGATCTTCT-3'
Protein context (NP_006222.2, residues 742-762): RLTTICQREN[Ser752Phe]FYVDTVRAFR